The following is an entry in ClinVar:

NM_001270508.2(TNFAIP3):c.887A>T (p.Asn296Ile)

Gene: TNFAIP3 (TNF alpha induced protein 3; plus strand). Cytogenetic location: 6q23.3.
Variant type: single nucleotide variant.
Coding change: c.887A>T on transcript NM_001270508.2 (MANE Select); coding-DNA position 887, A replaced by T.
Protein change: p.Asn296Ile; replaces asparagine 296 with isoleucine.
Molecular consequence: missense variant.
Genome position (GRCh38, 1-based): chr6:137,877,157, A>T. VCF-style: chr6-137877157-A-T. GRCh37 (hg19) VCF-style: chr6-138198294-A-T.
Other names: c.887A>T, p.Asn296Ile (NM_006290.4, NM_001270507.2); short protein forms N296I.
Identifiers: ClinVar variation 1935883 (VCV001935883.5), dbSNP rs1562271298, ClinGen allele CA365787261.

ClinVar aggregate classification (germline): Uncertain significance (1 of 4 stars; one submission).

Allele frequency attached by ClinVar (database versions not stated): TOPMed below 0.00001.

Submission:

Labcorp Genetics (formerly Invitae), Labcorp
Classification: Uncertain significance. Last evaluated: 2022-04-11. Review status: criteria provided, single submitter. Criteria: Invitae Variant Classification Sherloc (09022015). Collection method: clinical testing. Allele origin: germline.
Comment: This variant has not been reported in the literature in individuals affected with TNFAIP3-related conditions. This variant is present in population databases (no rsID available, gnomAD 0.0009%). This sequence change replaces asparagine, which is neutral and polar, with isoleucine, which is neutral and non-polar, at codon 296 of the TNFAIP3 protein (p.Asn296Ile). In summary, the available evidence is currently insufficient to determine the role of this variant in disease. Therefore, it has been classified as a Variant of Uncertain Significance. Algorithms developed to predict the effect of missense changes on protein structure and function are either unavailable or do not agree on the potential impact of this missense change (SIFT: "Deleterious"; PolyPhen-2: "Benign"; Align-GVGD: "Class C15").